The following is an entry in ClinVar:

NM_002047.4(GARS1):c.2094+276_2094+277insC

Gene: GARS1 (glycyl-tRNA synthetase 1; plus strand). Cytogenetic location: 7p14.3.
Variant type: Insertion.
Coding change: c.2094+276_2094+277insC on transcript NM_002047.4 (MANE Select); bases 276 to 277 of the intron after coding-DNA position 2094, C inserted.
Molecular consequence: intron variant.
Genome position: GRCh38 VCF-style: chr7-30632713-A-AC. GRCh37 (hg19) VCF-style: chr7-30672329-A-AC.
Other names: c.1932+276_1932+277insC (NM_001316772.1).
Identifiers: ClinVar variation 673714 (VCV000673714.1), dbSNP rs151154671, ClinGen allele CA156061154.
Genomic context (GRCh38, chr7:30,632,713, plus strand): 5'-TGTTGCTCCAGGCTTATTCTCCAGCAGTTTGCTTTTATACTTGTTTGTTTATTGGGCAAG[A>AC]GAAATATGATCCTAAGAATTTGTTGCCATAGTTTTATTGGTAGGCTTTGGAGGGTTAGAC-3'

ClinVar aggregate classification (germline): Benign (1 of 4 stars; one submission).

Allele frequency attached by ClinVar (database versions not stated): gnomAD 0.01630 and 0.01754; 1000 Genomes Project 0.01737; 1000 Genomes Project 30x 0.01858.

Submission:

GeneDx
Classification: Benign. Last evaluated: 2018-06-16. Review status: criteria provided, single submitter. Criteria: GeneDx Variant Classification (06012015). Collection method: clinical testing. Allele origin: germline. Affected: yes.
Comment: This variant is considered likely benign or benign based on one or more of the following criteria: it is a conservative change, it occurs at a poorly conserved position in the protein, it is predicted to be benign by multiple in silico algorithms, and/or has population frequency not consistent with disease.